The following is an entry in ClinVar:

ClinVar aggregate classification (germline): Benign. Review status: criteria provided, multiple submitters, no conflicts (2 of 4 stars). 2 submissions from 2 submitters: Benign (2). Last evaluated 2018-06-19.

Allele frequency attached by ClinVar (database versions not stated): 1000 Genomes Project 30x 0.08417; 1000 Genomes Project 0.08446; TOPMed 0.14056; gnomAD 0.15745 and 0.15995; gnomAD exomes 0.19944.
gnomAD v4.1: 250,407 of 1,292,824 alleles (19%); highest among the groups gnomAD compares: Non-Finnish European, 22%; 27,408 homozygotes.

Submissions (2):

GeneDx
Classification: Benign. Last evaluated: 2018-06-19. Review status: criteria provided, single submitter. Criteria: GeneDx Variant Classification (06012015). Collection method: clinical testing. Allele origin: germline. Affected: yes.
Comment: This variant is considered likely benign or benign based on one or more of the following criteria: it is a conservative change, it occurs at a poorly conserved position in the protein, it is predicted to be benign by multiple in silico algorithms, and/or has population frequency not consistent with disease.

Breakthrough Genomics
Classification: Benign. Review status: criteria provided, single submitter. Criteria: ACMG Guidelines, 2015. Collection method: not provided. Allele origin: germline. Inheritance: Autosomal recessive inheritance. Affected: yes.

NM_000274.4(OAT):c.901-57A>T

Gene: OAT (ornithine aminotransferase; minus strand). Cytogenetic location: 10q26.13.
Variant type: single nucleotide variant.
Coding change: c.901-57A>T on transcript NM_000274.4 (MANE Select); 57 bases into the intron before coding-DNA position 901, A replaced by T.
Molecular consequence: intron variant.
Genome position (GRCh38, 1-based): chr10:124,401,896, T>A on the plus strand (A>T on the coding strand, the complement: OAT is on the minus strand). VCF-style: chr10-124401896-T-A. GRCh37 (hg19) VCF-style: chr10-126090465-T-A.
Other names: c.901-57A>T (NM_001322965.2, NM_001322969.2, NM_001322966.2 and 3 more transcripts); c.487-57A>T (NM_001171814.2); c.301-57A>T (NM_001322974.2); c.580-57A>T (NM_001322971.2).
Identifiers: ClinVar variation 672117 (VCV000672117.2), dbSNP rs17681531, ClinGen allele CA13172854.